The following is an entry in ClinVar:

ClinVar aggregate classification (germline): Likely pathogenic (1 of 4 stars; one submission).

Submission:

Labcorp Genetics (formerly Invitae), Labcorp
Classification: Likely pathogenic. Last evaluated: 2021-08-31. Review status: criteria provided, single submitter. Criteria: Invitae Variant Classification Sherloc (09022015). Collection method: clinical testing. Allele origin: germline.
Comment: In summary, the currently available evidence indicates that the variant is pathogenic, but additional data are needed to prove that conclusively. Therefore, this variant has been classified as Likely Pathogenic. This variant has not been reported in the literature in individuals affected with CPLANE1-related conditions. This variant results in a copy number gain of the genomic region encompassing exon(s) 16-20 of the CPLANE1 gene. While the exact position of this variant cannot be determined from the data, sub-genic copy number gains are generally in tandem (PMID: 25640679). This variant is predicted to be out-of-frame, and may result in an absent or disrupted protein product. Loss-of-function variants in CPLANE1 are known to be pathogenic (PMID: 24178751, 26092869).

Literature cited by the submitters: PubMed 25640679; PubMed 24178751; PubMed 26092869.

NC_000005.9:g.(?_37198784)_(37213854_?)dup

Gene: CPLANE1 (ciliogenesis and planar polarity effector complex subunit 1; minus strand). Cytogenetic location: 5p13.2.
Variant type: Duplication.
Identifiers: ClinVar variation 1524356 (VCV001524356.4).